The following is an entry in ClinVar:

NM_025114.4(CEP290):c.2865_2866del (p.Asn955fs)

Gene: CEP290 (centrosomal protein 290; minus strand). Cytogenetic location: 12q21.32.
Variant type: Deletion.
Coding change: c.2865_2866del on transcript NM_025114.4 (MANE Select); coding-DNA positions 2865 to 2866, 2 bases deleted (TA; older notation c.2865_2866delTA).
Protein change: p.Asn955fs; shifts the reading frame from asparagine 955.
Molecular consequence: frameshift variant.
Genome position (GRCh38, 1-based): chr12:88,102,963-88,102,964, TA deleted on the plus strand (TA on the coding strand, the reverse complement: CEP290 is on the minus strand); deleting any 2 consecutive bases within chr12:88,102,963-88,102,965 gives the same sequence; the c. name uses the placement nearest the transcript's 3' end. VCF-style (leftmost placement, unchanged base first): chr12-88102962-CTA-C. GRCh37 (hg19) VCF-style: chr12-88496739-CTA-C.
Other names: short protein forms N955fs.
Identifiers: ClinVar variation 3754661 (VCV003754661.2).

ClinVar aggregate classification (germline): Pathogenic (1 of 4 stars; one submission).

Conditions:
Joubert syndrome. Also called: CEREBELLOPARENCHYMAL DISORDER IV; JOUBERT-BOLTSHAUSER SYNDROME; Familial aplasia of the vermis. Identifiers: Orphanet 475, MedGen C5979921, MONDO:0018772.
Nephronophthisis. Also called: Juvenile Nephronophthisis. Identifiers: Orphanet 655, MedGen C0687120, MONDO:0019005, HP:0000090.
Meckel-Gruber syndrome. Also called: DYSENCEPHALIA SPLANCHNOCYSTICA; GRUBER SYNDROME; Dysencephalia splachnocystica. Identifiers: Orphanet 564, MedGen C0265215, MONDO:0018921.

Submission:

Labcorp Genetics (formerly Invitae), Labcorp
Classification: Pathogenic for Joubert syndrome; Meckel-Gruber syndrome; Nephronophthisis. Last evaluated: 2024-02-14. Review status: criteria provided, single submitter. Criteria: Invitae Variant Classification Sherloc (09022015). Collection method: clinical testing. Allele origin: germline.
Comment: This sequence change creates a premature translational stop signal (p.Asn955Lysfs*6) in the CEP290 gene. It is expected to result in an absent or disrupted protein product. Loss-of-function variants in CEP290 are known to be pathogenic (PMID: 16909394, 17345604, 20690115). This variant is not present in population databases (gnomAD no frequency). This variant has not been reported in the literature in individuals affected with CEP290-related conditions. For these reasons, this variant has been classified as Pathogenic.

Literature cited by the submitters: PubMed 16909394; PubMed 17345604; PubMed 20690115.